The following is an entry in ClinVar:

NM_201599.3(ZMYM3):c.386G>C (p.Gly129Ala)

Gene: ZMYM3 (zinc finger MYM-type containing 3; minus strand). Cytogenetic location: Xq13.1.
Variant type: single nucleotide variant.
Coding change: c.386G>C on transcript NM_201599.3 (MANE Select); coding-DNA position 386, G replaced by C.
Protein change: p.Gly129Ala; replaces glycine 129 with alanine.
Molecular consequence: missense variant.
Genome position (GRCh38, 1-based): chrX:71,252,870, C>G on the plus strand (G>C on the coding strand, the complement: ZMYM3 is on the minus strand). VCF-style: chrX-71252870-C-G. GRCh37 (hg19) VCF-style: chrX-70472720-C-G.
Other names: c.386G>C, p.Gly129Ala (NM_001171162.1, NM_001171163.1, NM_005096.3); short protein forms G129A.
Identifiers: ClinVar variation 5037367 (VCV005037367.1).

ClinVar aggregate classification (germline): Uncertain significance (1 of 4 stars; one submission).

Submission:

GeneDx
Classification: Uncertain significance. Last evaluated: 2026-04-23. Review status: criteria provided, single submitter. Criteria: GeneDx Variant Classification Process June 2021. Collection method: clinical testing. Allele origin: germline.
Comment: Not observed at significant frequency in large population cohorts (gnomAD); In silico analysis suggests that this missense variant does not alter protein structure/function; Has not been previously published as pathogenic or benign to our knowledge